The following is an entry in ClinVar:

NM_000142.5(FGFR3):c.1779C>G (p.Asp593Glu)

Gene: FGFR3 (fibroblast growth factor receptor 3; plus strand). Cytogenetic location: 4p16.3.
Variant type: single nucleotide variant.
Coding change: c.1779C>G on transcript NM_000142.5 (MANE Select); coding-DNA position 1779, C replaced by G.
Protein change: p.Asp593Glu; replaces aspartic acid 593 with glutamic acid.
Molecular consequence: missense variant. On other transcripts: non-coding transcript variant (1).
Genome position (GRCh38, 1-based): chr4:1,805,883, C>G. VCF-style: chr4-1805883-C-G. GRCh37 (hg19) VCF-style: chr4-1807610-C-G.
Other names: c.1785C>G, p.Asp595Glu (NM_001163213.2); c.1782C>G, p.Asp594Glu (NM_001354809.2, NM_001354810.2); c.1443C>G, p.Asp481Glu (NM_022965.4); short protein forms D481E, D593E, D594E, D595E.
Identifiers: ClinVar variation 4857789 (VCV004857789.1).

ClinVar aggregate classification (germline): Uncertain significance (1 of 4 stars; one submission).

Conditions:
FGFR3-related chondrodysplasia. Identifiers: Orphanet 93420, MedGen C5681604, MONDO:0019685.

gnomAD v4.1: 1 of 1,612,808 alleles (0.000062%); highest among the groups gnomAD compares: East Asian, 0.0022%; no homozygotes.

Submission:

Genomenon, Inc
Classification: Uncertain significance for FGFR3-related chondrodysplasia. Last evaluated: 2026-06-23. Review status: criteria provided, single submitter. Criteria: Genomenon Sequence Variant Interpretation Standards - Updated. Collection method: curation. Allele origin: germline. Affected: no.
Comment: FGFR3 p.Asp593Glu (c.1779C>G) is a missense variant that changes the amino acid at codon 593 from Aspartic acid to Glutamic acid. This variant has been reported in the published literature (PMID:28768959). It is absent or not present at a significant frequency in gnomAD. In silico models predict that this variant is possibly or probably damaging. In conclusion, we classify FGFR3 p.Asp593Glu (c.1779C>G) as a variant of uncertain significance.

Literature cited by the submitters: PubMed 28768959.